The following is an entry in ClinVar:

ClinVar aggregate classification (germline): Uncertain significance (1 of 4 stars; one submission).

Conditions:
Hereditary cancer-predisposing syndrome. Also called: Hereditary neoplastic syndrome; Neoplastic Syndromes, Hereditary; Tumor predisposition; Hereditary Cancer Syndrome. Identifiers: Orphanet 140162, MedGen C0027672, MeSH D009386, MONDO:0015356.
Cardiovascular phenotype. Identifiers: MedGen CN230736.

gnomAD v4.1: 3 of 1,608,232 alleles (0.00019%); highest among the groups gnomAD compares: East Asian, 0.0045%; no homozygotes.

Submission:

Ambry Genetics
Classification: Uncertain significance for Cardiovascular phenotype; Hereditary cancer-predisposing syndrome. Last evaluated: 2025-01-17. Review status: criteria provided, single submitter. Criteria: Ambry Variant Classification Scheme 2023. Collection method: clinical testing. Allele origin: germline.
Comment: The p.K166Q variant (also known as c.496A>C), located in coding exon 5 of the LZTR1 gene, results from an A to C substitution at nucleotide position 496. The lysine at codon 166 is replaced by glutamine, an amino acid with similar properties. This amino acid position is conserved. In addition, this alteration is predicted to be tolerated by in silico analysis. Based on the available evidence, the clinical significance of this variant remains unclear.

NM_006767.4(LZTR1):c.496A>C (p.Lys166Gln)

Gene: LZTR1 (leucine zipper like post translational regulator 1; plus strand). Cytogenetic location: 22q11.21.
Variant type: single nucleotide variant.
Coding change: c.496A>C on transcript NM_006767.4 (MANE Select); coding-DNA position 496, A replaced by C.
Protein change: p.Lys166Gln; replaces lysine 166 with glutamine.
Molecular consequence: missense variant.
Genome position (GRCh38, 1-based): chr22:20,988,105, A>C. VCF-style: chr22-20988105-A-C. GRCh37 (hg19) VCF-style: chr22-21342394-A-C.
Other names: short protein forms K166Q.
Identifiers: ClinVar variation 3869252 (VCV003869252.1).